The following is an entry in ClinVar:

ClinVar aggregate classification (germline): Uncertain significance (1 of 4 stars; one submission).

Allele frequency attached by ClinVar (database versions not stated): gnomAD exomes below 0.00001; ExAC 0.00001.
gnomAD v4.1: 1 of 1,614,038 alleles (0.000062%); highest among the groups gnomAD compares: South Asian, 0.0011%; no homozygotes.

Submission:

Labcorp Genetics (formerly Invitae), Labcorp
Classification: Uncertain significance. Last evaluated: 2024-10-15. Review status: criteria provided, single submitter. Criteria: Invitae Variant Classification Sherloc (09022015). Collection method: clinical testing. Allele origin: germline.
Comment: This sequence change replaces proline, which is neutral and non-polar, with histidine, which is basic and polar, at codon 47 of the DNAJC12 protein (p.Pro47His). This variant is present in population databases (rs781264201, gnomAD 0.003%). This variant has not been reported in the literature in individuals affected with DNAJC12-related conditions. ClinVar contains an entry for this variant (Variation ID: 2005477). An algorithm developed to predict the effect of missense changes on protein structure and function (PolyPhen-2) suggests that this variant is likely to be disruptive. In summary, the available evidence is currently insufficient to determine the role of this variant in disease. Therefore, it has been classified as a Variant of Uncertain Significance.

NM_021800.3(DNAJC12):c.140C>A (p.Pro47His)

Gene: DNAJC12 (DnaJ heat shock protein family (Hsp40) member C12; minus strand). Cytogenetic location: 10q21.3.
Variant type: single nucleotide variant.
Coding change: c.140C>A on transcript NM_021800.3 (MANE Select); coding-DNA position 140, C replaced by A.
Protein change: p.Pro47His; replaces proline 47 with histidine.
Molecular consequence: missense variant.
Genome position (GRCh38, 1-based): chr10:67,823,331, G>T on the plus strand (C>A on the coding strand, the complement: DNAJC12 is on the minus strand). VCF-style: chr10-67823331-G-T. GRCh37 (hg19) VCF-style: chr10-69583089-G-T.
Other names: c.140C>A, p.Pro47His (NM_201262.2); short protein forms P47H.
Identifiers: ClinVar variation 2005477 (VCV002005477.4), dbSNP rs781264201, ClinGen allele CA5520911.